The following is an entry in ClinVar:

NM_004100.5(EYA4):c.1496T>G (p.Val499Gly)

Genes: EYA4 (EYA transcriptional coactivator and phosphatase 4; plus strand), TARID (TCF21 antisense RNA inducing promoter demethylation; minus strand). Cytogenetic location: 6q23.2.
Variant type: single nucleotide variant.
Coding change: c.1496T>G on transcript NM_004100.5 (MANE Select); coding-DNA position 1496, T replaced by G.
Protein change: p.Val499Gly; replaces valine 499 with glycine.
Molecular consequence: missense variant.
Genome position (GRCh38, 1-based): chr6:133,513,033, T>G. VCF-style: chr6-133513033-T-G. GRCh37 (hg19) VCF-style: chr6-133834171-T-G.
Other names: c.1334T>G, p.Val445Gly (NM_001301012.2); c.1514T>G, p.Val505Gly (NM_001301013.2); c.1427T>G, p.Val476Gly (NM_001370458.1, NM_172103.4); c.1352T>G, p.Val451Gly (NM_001370459.1); c.1496T>G, p.Val499Gly (NM_172105.4); c.1496T>G (NM_004100.4); short protein forms V451G, V476G, V499G, V445G, V505G.
Identifiers: ClinVar variation 2069361 (VCV002069361.6), dbSNP rs1799291450, ClinGen allele CA365715607.
Genomic context (GRCh38, chr6:133,513,033, plus strand): 5'-GGAAGTTGGCTTTTCGTTACAGAAGAGTAAAAGAATTATATAACACCTACAAGAACAACG[T>G]TGGAGGTATGTGTGGCTTTTTCAATCTAACAAAGGTACTCTGGGTATAGGTAGAATTCAA-3'
Protein context (NP_004091.3, residues 489-509): KELYNTYKNN[Val499Gly]GGLLGPAKRD

ClinVar aggregate classification (germline): Uncertain significance. Review status: criteria provided, multiple submitters, no conflicts (2 of 4 stars). 2 submissions from 2 submitters: Uncertain significance (2). Last evaluated 2022-12-18.

Conditions:
Cardiovascular phenotype. Identifiers: MedGen CN230736.
Dilated cardiomyopathy 1J (CMD1J). Also called: CARDIOMYOPATHY, DILATED, WITH SENSORINEURAL HEARING LOSS, AUTOSOMAL DOMINANT. Identifiers: Orphanet 217622, MedGen C1854368, MONDO:0011541, OMIM 605362.

Allele frequency attached by ClinVar (database versions not stated): TOPMed below 0.00001.
gnomAD v4.1: 1 of 1,613,902 alleles (0.000062%); highest among the groups gnomAD compares: Non-Finnish European, 0.000085%; no homozygotes.

Submissions (2):

Ambry Genetics
Classification: Uncertain significance for Cardiovascular phenotype. Last evaluated: 2022-12-18. Review status: criteria provided, single submitter. Criteria: Ambry Variant Classification Scheme 2023. Collection method: clinical testing. Allele origin: germline.
Comment: The p.V499G variant (also known as c.1496T>G), located in coding exon 15 of the EYA4 gene, results from a T to G substitution at nucleotide position 1496. The valine at codon 499 is replaced by glycine, an amino acid with dissimilar properties. This amino acid position is conserved. In addition, this alteration is predicted to be deleterious by in silico analysis. Since supporting evidence is limited at this time, the clinical significance of this alteration remains unclear.

Labcorp Genetics (formerly Invitae), Labcorp
Classification: Uncertain significance for Dilated cardiomyopathy 1J. Last evaluated: 2022-07-30. Review status: criteria provided, single submitter. Criteria: Invitae Variant Classification Sherloc (09022015). Collection method: clinical testing. Allele origin: germline.
Comment: Algorithms developed to predict the effect of missense changes on protein structure and function (SIFT, PolyPhen-2, Align-GVGD) all suggest that this variant is likely to be disruptive. This sequence change replaces valine, which is neutral and non-polar, with glycine, which is neutral and non-polar, at codon 499 of the EYA4 protein (p.Val499Gly). This variant is not present in population databases (gnomAD no frequency). This variant has not been reported in the literature in individuals affected with EYA4-related conditions. In summary, the available evidence is currently insufficient to determine the role of this variant in disease. Therefore, it has been classified as a Variant of Uncertain Significance.